The following is an entry in ClinVar:

NM_006565.4(CTCF):c.557A>G (p.Gln186Arg)

Gene: CTCF (CCCTC-binding factor; plus strand). Cytogenetic location: 16q22.1.
Variant type: single nucleotide variant.
Coding change: c.557A>G on transcript NM_006565.4 (MANE Select); coding-DNA position 557, A replaced by G.
Protein change: p.Gln186Arg; replaces glutamine 186 with arginine.
Molecular consequence: missense variant. On other transcripts: intron variant (1).
Genome position (GRCh38, 1-based): chr16:67,611,389, A>G. VCF-style: chr16-67611389-A-G. GRCh37 (hg19) VCF-style: chr16-67645292-A-G.
Other names: c.557A>G, p.Gln186Arg (NM_001363916.2); c.-32-5356A>G (NM_001191022.2); short protein forms Q186R.
Identifiers: ClinVar variation 1701293 (VCV001701293.31), dbSNP rs766823310, ClinGen allele CA8112533.

ClinVar aggregate classification (germline): Uncertain significance (1 of 4 stars; one submission).

Allele frequency attached by ClinVar (database versions not stated): gnomAD 0.00001; gnomAD exomes 0.00001 and 0.00002; TOPMed 0.00001; ExAC 0.00002.
gnomAD v4.1: 33 of 1,614,084 alleles (0.002%); highest among the groups gnomAD compares: Non-Finnish European, 0.0025%; no homozygotes.

Submission:

CeGaT Center for Human Genetics Tuebingen
Classification: Uncertain significance. Last evaluated: 2022-07-01. Review status: criteria provided, single submitter. Criteria: CeGaT Center For Human Genetics Tuebingen Variant Classification Criteria Version 2. Collection method: clinical testing. Allele origin: germline. Affected: yes. Observed: 1 variant allele.
Comment: CTCF: PM2:Supporting, BP4